The following is an entry in ClinVar:

NM_018100.4(EFHC1):c.1409C>G (p.Thr470Ser)

Gene: EFHC1 (EF-hand domain containing 1; plus strand). Cytogenetic location: 6p12.2.
Variant type: single nucleotide variant.
Coding change: c.1409C>G on transcript NM_018100.4 (MANE Select); coding-DNA position 1409, C replaced by G.
Protein change: p.Thr470Ser; replaces threonine 470 with serine.
Molecular consequence: missense variant. On other transcripts: non-coding transcript variant (1).
Genome position (GRCh38, 1-based): chr6:52,479,167, C>G. VCF-style: chr6-52479167-C-G. GRCh37 (hg19) VCF-style: chr6-52343965-C-G.
Other names: c.1352C>G, p.Thr451Ser (NM_001172420.2); short protein forms T451S, T470S.
Identifiers: ClinVar variation 850535 (VCV000850535.13), dbSNP rs201129694, ClinGen allele CA3856082.

ClinVar aggregate classification (germline): Uncertain significance. Review status: criteria provided, multiple submitters, no conflicts (2 of 4 stars). 3 submissions from 3 submitters: Uncertain significance (3). Last evaluated 2024-05-24.

Conditions:
Absence seizure. Also called: Absence epilepsy. Identifiers: Orphanet 1941, MedGen C0014553.
Myoclonic epilepsy, juvenile, susceptibility to, 1. Also called: Myoclonic Epilepsy, Juvenile, 1; EJM1. Identifiers: MedGen C1850778, MONDO:0020752, OMIM 254770.

Allele frequency attached by ClinVar (database versions not stated): gnomAD 0.00001; ExAC 0.00002; gnomAD exomes 0.00002 and 0.00003; TOPMed 0.00002; 1000 Genomes Project 30x 0.00016; 1000 Genomes Project 0.00020.
gnomAD v4.1: 38 of 1,614,138 alleles (0.0024%); highest among the groups gnomAD compares: Middle Eastern, 0.017%; no homozygotes.

Submissions (3):

Ambry Genetics
Classification: Uncertain significance. Last evaluated: 2024-05-24. Review status: criteria provided, single submitter. Criteria: Ambry Variant Classification Scheme 2023. Collection method: clinical testing. Allele origin: germline.

Fulgent Genetics
Classification: Uncertain significance for Myoclonic epilepsy, juvenile, susceptibility to, 1; Epilepsy, juvenile absence, susceptibility to, 1. Last evaluated: 2021-10-25. Review status: criteria provided, single submitter. Criteria: ACMG Guidelines, 2015. Collection method: clinical testing. Allele origin: unknown.

Labcorp Genetics (formerly Invitae), Labcorp
Classification: Uncertain significance for Myoclonic epilepsy, juvenile, susceptibility to, 1; Absence seizure. Last evaluated: 2019-02-18. Review status: criteria provided, single submitter. Criteria: Invitae Variant Classification Sherloc (09022015). Collection method: clinical testing. Allele origin: germline.
Comment: In summary, the available evidence is currently insufficient to determine the role of this variant in disease. Therefore, it has been classified as a Variant of Uncertain Significance. Algorithms developed to predict the effect of missense changes on protein structure and function output the following: SIFT: "Tolerated"; PolyPhen-2: "Benign"; Align-GVGD: "Class C0". The serine amino acid residue is found in multiple mammalian species, suggesting that this missense change does not adversely affect protein function. These predictions have not been confirmed by published functional studies and their clinical significance is uncertain. This variant has not been reported in the literature in individuals with EFHC1-related conditions. This variant is present in population databases (rs201129694, ExAC 0.003%). This sequence change replaces threonine with serine at codon 470 of the EFHC1 protein (p.Thr470Ser). The threonine residue is highly conserved and there is a small physicochemical difference between threonine and serine.